The following is an entry in ClinVar:

ClinVar aggregate classification (germline): Pathogenic. Review status: criteria provided, multiple submitters, no conflicts (2 of 4 stars). 3 submissions from 3 submitters: Pathogenic (3). Last evaluated 2026-02-18.

Conditions:
Chromosome 2q32-q33 deletion syndrome (GLASS). Also called: 2q33.1 deletion syndrome; Glass syndrome. Identifiers: Orphanet 251019, MedGen C2676739, MONDO:0012864, OMIM 612313.

Submissions (3):

GeneDx
Classification: Pathogenic. Last evaluated: 2026-02-18. Review status: criteria provided, single submitter. Criteria: GeneDx Variant Classification Process June 2021. Collection method: clinical testing. Allele origin: germline.
Comment: Canonical splice site variant predicted to result in a null allele in a gene for which loss of function is a known mechanism of disease; Not observed at significant frequency in large population cohorts (gnomAD); This variant is associated with the following publications: (PMID: 37786328, 40225157, 38693682)

Breda Genetics srl
Classification: Pathogenic for Chromosome 2q32-q33 deletion syndrome. Last evaluated: 2020-11-11. Review status: criteria provided, single submitter. Criteria: ACMG Guidelines, 2015. Collection method: clinical testing. Allele origin: germline. Inheritance: Autosomal dominant inheritance. Affected: yes. Observed: 1 variant allele, 1 heterozygote.
Comment: The variant c.474-2A>G in the SATB2 gene is reported as pathogenic for chromosome 2q32-q33 deletion syndrome in ClinVar (Variation ID: 801850). The variant affects the acceptor splice site of intron 4 and is therefore highly likely to impact the splicing process by causing the exclusion of the following exons from the mature transcript and the translation of an aberrant protein or a shift in the reading frame. There is no information on frequency in gnomAD, 1000 Genomes or NHLI Exome Sequencing Project (ESP).

Mendelics
Classification: Pathogenic for Chromosome 2q32-q33 deletion syndrome. Last evaluated: 2019-05-28. Review status: criteria provided, single submitter. Criteria: Mendelics Assertion Criteria 2017. Collection method: clinical testing. Allele origin: unknown.

NM_001172509.2(SATB2):c.474-2A>G

Gene: SATB2 (SATB homeobox 2; minus strand). Cytogenetic location: 2q33.1.
Variant type: single nucleotide variant.
Coding change: c.474-2A>G on transcript NM_001172509.2 (MANE Select); the canonical splice acceptor site of the intron before coding-DNA position 474, A replaced by G.
Molecular consequence: splice acceptor variant.
Genome position (GRCh38, 1-based): chr2:199,380,489, T>C on the plus strand (A>G on the coding strand, the complement: SATB2 is on the minus strand). VCF-style: chr2-199380489-T-C. GRCh37 (hg19) VCF-style: chr2-200245212-T-C.
Other names: c.474-2A>G (NM_001172517.1, NM_015265.4).
Identifiers: ClinVar variation 801850 (VCV000801850.5), dbSNP rs1574566973, ClinGen allele CA350389012.